The following is an entry in ClinVar:

NC_000009.11:g.(?_6533007)_(6645509_?)del

Gene: GLDC (glycine decarboxylase; minus strand). Cytogenetic location: 9p24.1.
Variant type: Deletion.
Identifiers: ClinVar variation 1072388 (VCV001072388.1).

ClinVar aggregate classification (germline): Pathogenic (1 of 4 stars; one submission).

Conditions:
Glycine encephalopathy. Also called: Nonketotic hyperglycinemia; Non-ketotic hyperglycinemia. Identifiers: Orphanet 407, MedGen C0751748, MONDO:0011612, HP:0008288.

Submission:

Labcorp Genetics (formerly Invitae), Labcorp
Classification: Pathogenic for Glycine encephalopathy. Last evaluated: 2020-10-19. Review status: criteria provided, single submitter. Criteria: Invitae Variant Classification Sherloc (09022015). Collection method: clinical testing. Allele origin: germline.
Comment: A gross deletion of the genomic region encompassing the full coding sequence of the GLDC gene has been identified. The boundaries of this event are unknown as the deletion extends beyond the assayed region for this gene and therefore may encompass additional genes. A similar whole gene deletion has been reported in the literature in individuals affected with glycine encephalopathy (PMID: 17361008, 26947380, 25231368, 28468868). Loss-of-function variants in GLDC are known to be pathogenic (PMID: 16601880). For these reasons, this variant has been classified as Pathogenic.

Literature cited by the submitters: PubMed 17361008; PubMed 26947380; PubMed 25231368; PubMed 28468868; PubMed 16601880.